The following is an entry in ClinVar:

ClinVar aggregate classification (germline): Uncertain significance. Review status: criteria provided, multiple submitters, no conflicts (2 of 4 stars). 4 submissions from 4 submitters: Uncertain significance (4). Last evaluated 2025-01-31.

Conditions:
Inborn genetic diseases. Identifiers: MedGen C0950123, MeSH D030342.
Autosomal dominant limb-girdle muscular dystrophy type 1D (DNAJB6) (LGMDD1). Also called: Autosomal dominant limb-girdle muscular dystrophy type 1D; Muscular dystrophy, limb-girdle, autosomal dominant 1; MUSCULAR DYSTROPHY, AUTOSOMAL DOMINANT, WITH RIMMED VACUOLES; MUSCULAR DYSTROPHY, LIMB-GIRDLE, TYPE 1D. Identifiers: Orphanet 34516, MedGen C4721885, MONDO:0021018, OMIM 603511.

Allele frequency attached by ClinVar (database versions not stated): TOPMed 0.00002; ESP Exome Variant Server 0.00008; ExAC 0.00010.
gnomAD v4.1: 63 of 1,613,948 alleles (0.0039%); highest among the groups gnomAD compares: Non-Finnish European, 0.0049%; no homozygotes.

Submissions (4):

Labcorp Genetics (formerly Invitae), Labcorp
Classification: Uncertain significance for Autosomal dominant limb-girdle muscular dystrophy type 1D (DNAJB6). Last evaluated: 2025-01-31. Review status: criteria provided, single submitter. Criteria: Invitae Variant Classification Sherloc (09022015). Collection method: clinical testing. Allele origin: germline.
Comment: This sequence change replaces serine, which is neutral and polar, with leucine, which is neutral and non-polar, at codon 316 of the DNAJB6 protein (p.Ser316Leu). This variant is present in population databases (rs371304535, gnomAD 0.01%). This missense change has been observed in individual(s) with clinical features of DNAJB6-related conditions (internal data). ClinVar contains an entry for this variant (Variation ID: 193753). Invitae Evidence Modeling of protein sequence and biophysical properties (such as structural, functional, and spatial information, amino acid conservation, physicochemical variation, residue mobility, and thermodynamic stability) indicates that this missense variant is not expected to disrupt DNAJB6 protein function with a negative predictive value of 80%. In summary, the available evidence is currently insufficient to determine the role of this variant in disease. Therefore, it has been classified as a Variant of Uncertain Significance.

Ambry Genetics
Classification: Uncertain significance for Inborn genetic diseases. Last evaluated: 2022-01-26. Review status: criteria provided, single submitter. Criteria: Ambry Variant Classification Scheme 2023. Collection method: clinical testing. Allele origin: germline.

Revvity Omics, Revvity
Classification: Uncertain significance for Autosomal dominant limb-girdle muscular dystrophy type 1D (DNAJB6). Last evaluated: 2019-07-11. Review status: criteria provided, single submitter. Criteria: ACMG Guidelines, 2015. Collection method: clinical testing. Allele origin: germline.

Eurofins Ntd Llc (ga)
Classification: Uncertain significance. Last evaluated: 2018-03-08. Review status: criteria provided, single submitter. Criteria: EGL ClinVar v180209 classification definitions. Collection method: clinical testing. Allele origin: germline. Observed: 2 variant alleles, 2 heterozygotes.

NM_058246.4(DNAJB6):c.947C>T (p.Ser316Leu)

Gene: DNAJB6 (DnaJ heat shock protein family (Hsp40) member B6; plus strand). Cytogenetic location: 7q36.3.
Variant type: single nucleotide variant.
Coding change: c.947C>T on transcript NM_058246.4 (MANE Select); coding-DNA position 947, C replaced by T.
Protein change: p.Ser316Leu; replaces serine 316 with leucine.
Molecular consequence: missense variant.
Genome position (GRCh38, 1-based): chr7:157,416,064, C>T. VCF-style: chr7-157416064-C-T. GRCh37 (hg19) VCF-style: chr7-157208758-C-T.
Other names: c.602C>T, p.Ser201Leu (NM_001363676.1); c.947C>T (NM_058246.3); short protein forms S316L, S201L.
Identifiers: ClinVar variation 193753 (VCV000193753.16), dbSNP rs371304535, ClinGen allele CA239382.